The following is an entry in ClinVar:

NM_001370466.1(NOD2):c.2042G>C (p.Arg681Pro)

Gene: NOD2 (nucleotide binding oligomerization domain containing 2; plus strand). Cytogenetic location: 16q12.1.
Variant type: single nucleotide variant.
Coding change: c.2042G>C on transcript NM_001370466.1 (MANE Select); coding-DNA position 2042, G replaced by C.
Protein change: p.Arg681Pro; replaces arginine 681 with proline.
Molecular consequence: missense variant. On other transcripts: non-coding transcript variant (1).
Genome position (GRCh38, 1-based): chr16:50,712,034, G>C. VCF-style: chr16-50712034-G-C. GRCh37 (hg19) VCF-style: chr16-50745945-G-C.
Other names: c.2042G>C, p.Arg681Pro (NM_001293557.2); c.2123G>C, p.Arg708Pro (NM_022162.3); short protein forms R708P, R681P.
Identifiers: ClinVar variation 2953198 (VCV002953198.3), dbSNP rs35285618, ClinGen allele CA395870993.
Genomic context (GRCh38, chr16:50,712,034, plus strand): 5'-GCCTGCTGGCTGAGTGCCAGACATCTGAGAAGGCCCTGCTCCGGCGCCAGGCCTGTGCCC[G>C]CTGGTGTCTGGCCCGCAGCCTCCGCAAGCACTTCCACTCCATCCCGCCAGCTGCACCGGG-3'
Protein context (NP_001357395.1, residues 671-691): KALLRRQACA[Arg681Pro]WCLARSLRKH

ClinVar aggregate classification (germline): Uncertain significance (1 of 4 stars; one submission).

Conditions:
Blau syndrome (BLAUS). Also called: GRANULOMATOSIS, FAMILIAL JUVENILE SYSTEMIC; GRANULOMATOSIS, FAMILIAL, BLAU TYPE; GRANULOMATOUS INFLAMMATORY ARTHRITIS, DERMATITIS, AND UVEITIS, FAMILIAL; JABS SYNDROME; ARTHROCUTANEOUVEAL GRANULOMATOSIS. Identifiers: Orphanet 90340, MedGen C5201146, MONDO:0008523, OMIM 186580.
Regional enteritis. Also called: Enteritis, Granulomatous. Identifiers: MedGen C0678202, MeSH D003424.

Submission:

Labcorp Genetics (formerly Invitae), Labcorp
Classification: Uncertain significance for Regional enteritis; Blau syndrome. Last evaluated: 2023-10-22. Review status: criteria provided, single submitter. Criteria: Invitae Variant Classification Sherloc (09022015). Collection method: clinical testing. Allele origin: germline.
Comment: This sequence change replaces arginine, which is basic and polar, with proline, which is neutral and non-polar, at codon 708 of the NOD2 protein (p.Arg708Pro). This variant is not present in population databases (gnomAD no frequency). This variant has not been reported in the literature in individuals affected with NOD2-related conditions. Advanced modeling of protein sequence and biophysical properties (such as structural, functional, and spatial information, amino acid conservation, physicochemical variation, residue mobility, and thermodynamic stability) performed at Invitae indicates that this missense variant is not expected to disrupt NOD2 protein function with a negative predictive value of 95%. In summary, the available evidence is currently insufficient to determine the role of this variant in disease. Therefore, it has been classified as a Variant of Uncertain Significance.